The following is an entry in ClinVar:

NM_001377.3(DYNC2H1):c.1774C>T (p.Leu592Phe)

Gene: DYNC2H1 (dynein cytoplasmic 2 heavy chain 1; plus strand). Cytogenetic location: 11q22.3.
Variant type: single nucleotide variant.
Coding change: c.1774C>T on transcript NM_001377.3 (MANE Select); coding-DNA position 1774, C replaced by T.
Protein change: p.Leu592Phe; replaces leucine 592 with phenylalanine.
Molecular consequence: missense variant.
Genome position (GRCh38, 1-based): chr11:103,125,212, C>T. VCF-style: chr11-103125212-C-T. GRCh37 (hg19) VCF-style: chr11-102995941-C-T.
Other names: c.1774C>T, p.Leu592Phe (NM_001080463.2); short protein forms L592F.
Identifiers: ClinVar variation 216489 (VCV000216489.39), dbSNP rs180861816, ClinGen allele CA335913.

ClinVar aggregate classification (germline): Conflicting classifications of pathogenicity. Review status: criteria provided, conflicting classifications (1 of 4 stars). 10 submissions from 10 submitters: Uncertain significance (6); Likely benign (1). 3 of the submissions do not count toward it. Last evaluated 2025-07-22.

Conditions:
DYNC2H1-related disorder. Also called: DYNC2H1-related condition; DYNC2H1-related disorders. Identifiers: MedGen CN378770.
Jeune thoracic dystrophy. Also called: Short-rib thoracic dysplasia; Jeune syndrome; Infantile thoracic dystrophy; Thoracic pelvic phalangeal dystrophy; Jeune's syndrome; Chondroectodermal dysplasia-like syndrome. Identifiers: Orphanet 474, MedGen C0265275, MONDO:0018770.
Asphyxiating thoracic dystrophy 3. Also called: Short rib polydactyly syndrome 2B; SHORT-RIB THORACIC DYSPLASIA 3 WITH OR WITHOUT POLYDACTYLY; POLYDACTYLY WITH NEONATAL CHONDRODYSTROPHY, TYPE I; SHORT-RIB THORACIC DYSPLASIA 3/6 WITH POLYDACTYLY, DIGENIC; Saldino-Noonan Syndrome. Identifiers: Orphanet 474, Orphanet 93269, Orphanet 93270, Orphanet 93271, MedGen C0036069, MONDO:0013127, OMIM 613091.
Intellectual disability. Also called: Intellectual functioning disability; intellectual disabilities; Intellectual developmental disorder. Identifiers: MedGen C3714756, MeSH D008607, MONDO:0001071, HP:0001249.

Allele frequency attached by ClinVar (database versions not stated): 1000 Genomes Project 30x 0.00016; 1000 Genomes Project 0.00020; ExAC 0.00028; gnomAD exomes 0.00030; gnomAD 0.00046 and 0.00052; TOPMed 0.00058; ESP Exome Variant Server 0.00067.
gnomAD v4.1: 328 of 1,613,478 alleles (0.02%); highest among the groups gnomAD compares: Middle Eastern, 0.31%; no homozygotes.

Submissions (10):

ARUP Laboratories, Molecular Genetics and Genomics, ARUP Laboratories
Classification: Likely benign for Asphyxiating thoracic dystrophy 3. Last evaluated: 2025-07-22. Review status: criteria provided, single submitter. Criteria: ARUP Molecular Germline Variant Investigation Process 2024. Collection method: clinical testing. Allele origin: germline.

Blueprint Genetics
Classification: Uncertain significance. Last evaluated: 2024-10-28. Review status: criteria provided, single submitter. Criteria: ACMG Guidelines, 2015. Collection method: clinical testing. Allele origin: germline.

Labcorp Genetics (formerly Invitae), Labcorp
Classification: Uncertain significance for Jeune thoracic dystrophy. Last evaluated: 2024-10-23. Review status: criteria provided, single submitter. Criteria: Invitae Variant Classification Sherloc (09022015). Collection method: clinical testing. Allele origin: germline.
Comment: This sequence change replaces leucine, which is neutral and non-polar, with phenylalanine, which is neutral and non-polar, at codon 592 of the DYNC2H1 protein (p.Leu592Phe). This variant is present in population databases (rs180861816, gnomAD 0.1%). This variant has not been reported in the literature in individuals affected with DYNC2H1-related conditions. ClinVar contains an entry for this variant (Variation ID: 216489). Invitae Evidence Modeling of protein sequence and biophysical properties (such as structural, functional, and spatial information, amino acid conservation, physicochemical variation, residue mobility, and thermodynamic stability) indicates that this missense variant is expected to disrupt DYNC2H1 protein function with a positive predictive value of 95%. In summary, the available evidence is currently insufficient to determine the role of this variant in disease. Therefore, it has been classified as a Variant of Uncertain Significance.

CeGaT Center for Human Genetics Tuebingen
Classification: Uncertain significance. Last evaluated: 2024-09-01. Review status: criteria provided, single submitter. Criteria: CeGaT Center For Human Genetics Tuebingen Variant Classification Criteria Version 2. Collection method: clinical testing. Allele origin: germline. Affected: yes. Observed: 1 variant allele.
Comment: DYNC2H1: PP2, PP3

GeneDx
Classification: Uncertain significance. Last evaluated: 2024-05-15. Review status: criteria provided, single submitter. Criteria: GeneDx Variant Classification Process June 2021. Collection method: clinical testing. Allele origin: germline. Affected: yes.
Comment: In silico analysis supports that this missense variant has a deleterious effect on protein structure/function; Has not been previously published in association with DYNC2H1-related disorders to our knowledge; This variant is associated with the following publications: (PMID: 34490615, 36011280)

Dubai Health Genomic Medicine Center, Dubai Health
Classification: Uncertain significance for Asphyxiating thoracic dystrophy 3. Last evaluated: 2020-03-25. Review status: criteria provided, single submitter. Criteria: ACMG Guidelines, 2015. Collection method: clinical testing. Allele origin: germline. Affected: yes.

Illumina Laboratory Services, Illumina
Classification: Uncertain significance for Asphyxiating thoracic dystrophy 3. Last evaluated: 2018-01-13. Review status: criteria provided, single submitter. Criteria: ICSL Variant Classification Criteria 13 December 2019. Collection method: clinical testing. Allele origin: germline.

Centre de Biologie Pathologie Génétique, Centre Hospitalier Universitaire de Lille
Classification: Uncertain significance for Intellectual disability. Last evaluated: 2019-01-01. Review status: no assertion criteria provided. Collection method: clinical testing. Allele origin: unknown. Affected: yes. Not counted in ClinVar's aggregate classification.

Clinical Genetics DNA and cytogenetics Diagnostics Lab, Erasmus MC, Erasmus Medical Center
Classification: Uncertain significance. Review status: no assertion criteria provided. Collection method: clinical testing. Allele origin: germline. Affected: yes. Study: VKGL Data-share Consensus. Not counted in ClinVar's aggregate classification.

Joint Genome Diagnostic Labs from Nijmegen and Maastricht, Radboudumc and MUMC+
Classification: Uncertain significance. Review status: no assertion criteria provided. Collection method: clinical testing. Allele origin: germline. Affected: yes. Study: VKGL Data-share Consensus. Not counted in ClinVar's aggregate classification.